The following is an entry in ClinVar:

ClinVar aggregate classification (germline): Likely benign. Review status: criteria provided, multiple submitters, no conflicts (2 of 4 stars). 2 submissions from 2 submitters: Likely benign (2). Last evaluated 2026-08-28.

Conditions:
TBCD-related disorder. Also called: TBCD-related condition.

Allele frequency attached by ClinVar (database versions not stated): gnomAD 0.00001 and 0.00003; gnomAD exomes 0.00001; TOPMed 0.00002; ExAC 0.00005; 1000 Genomes Project 30x 0.00016; 1000 Genomes Project 0.00020.
gnomAD v4.1: 31 of 1,610,674 alleles (0.0019%); highest among the groups gnomAD compares: Middle Eastern, 0.033%; no homozygotes.

Submissions (2):

PreventionGenetics, part of Exact Sciences
Classification: Likely benign for TBCD-related condition. Last evaluated: 2026-08-28. Review status: criteria provided, single submitter. Criteria: ACMG Guidelines, 2015. Collection method: clinical testing. Allele origin: germline.
Comment: This variant is classified as likely benign based on ACMG/AMP sequence variant interpretation guidelines (Richards et al. 2015 PMID: 25741868, with internal and published modifications).

Labcorp Genetics (formerly Invitae), Labcorp
Classification: Likely benign. Last evaluated: 2025-09-24. Review status: criteria provided, single submitter. Criteria: Invitae Variant Classification Sherloc (09022015). Collection method: clinical testing. Allele origin: germline.

NM_005993.5(TBCD):c.1494G>A (p.Ala498=)

Gene: TBCD (tubulin folding cofactor D). Cytogenetic location: 17q25.3.
Variant type: single nucleotide variant.
Coding change: c.1494G>A on transcript NM_005993.5 (MANE Select); coding-DNA position 1494, G replaced by A.
Protein change: p.Ala498=; no amino-acid change (alanine 498 retained).
Molecular consequence: synonymous variant.
Genome position (GRCh38, 1-based): chr17:82,884,163, G>A. VCF-style: chr17-82884163-G-A. GRCh37 (hg19) VCF-style: chr17-80842039-G-A.
Other names: c.1494G>A (NM_005993.4).
Identifiers: ClinVar variation 1366553 (VCV001366553.9), dbSNP rs201546188, ClinGen allele CA8862602.